The following is an entry in ClinVar:

NM_002087.4(GRN):c.1009C>T (p.Gln337Ter)

Gene: GRN (granulin precursor; plus strand). Cytogenetic location: 17q21.31.
Variant type: single nucleotide variant.
Coding change: c.1009C>T on transcript NM_002087.4 (MANE Select); coding-DNA position 1009, C replaced by T.
Protein change: p.Gln337Ter; replaces glutamine 337 with a stop codon.
Molecular consequence: nonsense.
Genome position (GRCh38, 1-based): chr17:44,351,625, C>T. VCF-style: chr17-44351625-C-T. GRCh37 (hg19) VCF-style: chr17-42428993-C-T.
Other names: c.1009C>T (NM_002087.2); short protein forms Q337*.
Identifiers: ClinVar variation 98168 (VCV000098168.5), dbSNP rs63751406, ClinGen allele CA225308.
Genomic context (GRCh38, chr17:44,351,625, plus strand): 5'-GACCACATACACTGCTGTCCCGCGGGGTTTACGTGTGACACGCAGAAGGGTACCTGTGAA[C>T]AGGGGCCCCACCAGGTGCCCTGGATGGAGAAGGCCCCAGCTCACCTCAGCCTGCCAGACC-3'

ClinVar aggregate classification (germline): Pathogenic. Review status: criteria provided, multiple submitters, no conflicts (2 of 4 stars). 3 submissions from 3 submitters: Pathogenic (2). 1 of the submissions does not count toward it. Last evaluated 2025-02-24.

Conditions:
GRN-related frontotemporal lobar degeneration with Tdp43 inclusions (FTD2). Also called: FRONTOTEMPORAL DEMENTIA WITH TDP43 INCLUSIONS, GRN-RELATED; GRN Frontotemporal Dementia; DEMENTIA, HEREDITARY DYSPHASIC DISINHIBITION; FRONTOTEMPORAL LOBAR DEGENERATION WITH UBIQUITIN-POSITIVE INCLUSIONS; FTLD-TDP, GRN-RELATED. Identifiers: Orphanet 100070, Orphanet 282, MedGen C1843792, MONDO:0011842, OMIM 607485. Disease mechanism: loss of function.
Neuronal ceroid lipofuscinosis 11. Also called: GRN-Related Neuronal Ceroid-Lipofuscinosis. Identifiers: Orphanet 314629, Orphanet 79262, MedGen C3539123, MONDO:0013866, OMIM 614706.

Allele frequency attached by ClinVar (database versions not stated): gnomAD exomes below 0.00001.

Submissions (3):

GeneDx
Classification: Pathogenic. Last evaluated: 2025-02-24. Review status: criteria provided, single submitter. Criteria: GeneDx Variant Classification Process June 2021. Collection method: clinical testing. Allele origin: germline.
Comment: Nonsense variant predicted to result in protein truncation or nonsense mediated decay in a gene for which loss of function is a known mechanism of disease; Not observed at significant frequency in large population cohorts (gnomAD); Reported in a patient with frontotemporal lobar degeneration in published literature (PMID: 17698705); This variant is associated with the following publications: (PMID: 25525159, 38583104, 20142524, 21482928, 19649643, 19125255, 19204154, 17698705, 33622418, 34054428)

Labcorp Genetics (formerly Invitae), Labcorp
Classification: Pathogenic for Neuronal ceroid lipofuscinosis 11; GRN-related frontotemporal lobar degeneration with Tdp43 inclusions. Last evaluated: 2024-08-11. Review status: criteria provided, single submitter. Criteria: Invitae Variant Classification Sherloc (09022015). Collection method: clinical testing. Allele origin: germline.
Comment: This sequence change creates a premature translational stop signal (p.Gln337*) in the GRN gene. It is expected to result in an absent or disrupted protein product. Loss-of-function variants in GRN are known to be pathogenic (PMID: 16862116, 16950801, 22608501). This variant is not present in population databases (gnomAD no frequency). This premature translational stop signal has been observed in individual(s) with frontotemporal dementia (PMID: 17698705). ClinVar contains an entry for this variant (Variation ID: 98168). For these reasons, this variant has been classified as Pathogenic.

VIB  Department of Molecular Genetics, University of Antwerp
No classification provided. Review status: no classification provided. Collection method: not provided. Allele origin: unknown. Not counted in ClinVar's aggregate classification.

Literature cited by the submitters: PubMed 16862116 (cited by Labcorp Genetics (formerly Invitae), Labcorp); PubMed 16950801 (cited by Labcorp Genetics (formerly Invitae), Labcorp); PubMed 22608501 (cited by Labcorp Genetics (formerly Invitae), Labcorp); PubMed 17698705 (cited by Labcorp Genetics (formerly Invitae), Labcorp).